The following is an entry in ClinVar:

ClinVar aggregate classification (germline): Uncertain significance (1 of 4 stars; one submission).

gnomAD v4.1: 5 of 1,613,800 alleles (0.00031%); highest among the groups gnomAD compares: African/African-American, 0.0053%; no homozygotes.

Submission:

Labcorp Genetics (formerly Invitae), Labcorp
Classification: Uncertain significance. Last evaluated: 2022-05-08. Review status: criteria provided, single submitter. Criteria: Invitae Variant Classification Sherloc (09022015). Collection method: clinical testing. Allele origin: germline.
Comment: This sequence change replaces glycine, which is neutral and non-polar, with arginine, which is basic and polar, at codon 710 of the AP3B2 protein (p.Gly710Arg). This variant is present in population databases (no rsID available, gnomAD 0.01%). This variant has not been reported in the literature in individuals affected with AP3B2-related conditions. Algorithms developed to predict the effect of missense changes on protein structure and function are either unavailable or do not agree on the potential impact of this missense change (SIFT: "Tolerated"; PolyPhen-2: "Probably Damaging"; Align-GVGD: "Class C0"). In summary, the available evidence is currently insufficient to determine the role of this variant in disease. Therefore, it has been classified as a Variant of Uncertain Significance.

NM_001278512.2(AP3B2):c.2185G>C (p.Gly729Arg)

Genes: AP3B2 (adaptor related protein complex 3 subunit beta 2; minus strand), CPEB1-AS1 (CPEB1 antisense RNA 1; plus strand). Cytogenetic location: 15q25.2.
Variant type: single nucleotide variant.
Coding change: c.2185G>C on transcript NM_001278512.2 (MANE Select); coding-DNA position 2185, G replaced by C.
Protein change: p.Gly729Arg; replaces glycine 729 with arginine.
Molecular consequence: missense variant.
Genome position (GRCh38, 1-based): chr15:82,664,443, C>G on the plus strand (G>C on the coding strand, the complement: AP3B2 is on the minus strand). VCF-style: chr15-82664443-C-G. GRCh37 (hg19) VCF-style: chr15-83333195-C-G.
Other names: c.2032G>C, p.Gly678Arg (NM_001278511.2); c.2128G>C, p.Gly710Arg (NM_004644.5); short protein forms G710R, G729R, G678R.
Identifiers: ClinVar variation 1944432 (VCV001944432.2), dbSNP rs377674537, ClinGen allele CA273482955.